The following is an entry in ClinVar:

NM_182961.4(SYNE1):c.4828A>T (p.Thr1610Ser)

Gene: SYNE1 (spectrin repeat containing nuclear envelope protein 1; minus strand). Cytogenetic location: 6q25.2.
Variant type: single nucleotide variant.
Coding change: c.4828A>T on transcript NM_182961.4 (MANE Select); coding-DNA position 4828, A replaced by T.
Protein change: p.Thr1610Ser; replaces threonine 1610 with serine.
Molecular consequence: missense variant.
Genome position (GRCh38, 1-based): chr6:152,428,353, T>A on the plus strand (A>T on the coding strand, the complement: SYNE1 is on the minus strand). VCF-style: chr6-152428353-T-A. GRCh37 (hg19) VCF-style: chr6-152749488-T-A.
Other names: c.4849A>T, p.Thr1617Ser (NM_033071.5); short protein forms T1610S, T1617S.
Identifiers: ClinVar variation 2585167 (VCV002585167.1), dbSNP rs764423220, ClinGen allele CA4058439.

ClinVar aggregate classification (germline): Uncertain significance (1 of 4 stars; one submission).

Conditions:
Arthrogryposis multiplex congenita 3, myogenic type. Also called: ARTHROGRYPOSIS MULTIPLEX CONGENITA, MYOGENIC TYPE. Identifiers: MedGen C5193121, MONDO:0032778, OMIM 618484.

gnomAD v4.1: 4 of 1,614,028 alleles (0.00025%); highest among the groups gnomAD compares: South Asian, 0.0044%; no homozygotes.

Submission:

Neuberg Centre For Genomic Medicine, NCGM
Classification: Uncertain significance for Arthrogryposis multiplex congenita 3, myogenic type. Review status: criteria provided, single submitter. Criteria: ACMG Guidelines, 2015. Collection method: clinical testing. Allele origin: germline. Inheritance: Autosomal recessive inheritance. Affected: yes.
Comment: The missense variant c.4828A>T (p.Thr1610Ser) in SYNE1 gene has not been reported previously as a pathogenic variant nor as a benign variant, to our knowledge. This p.Thr1610Ser variant has allele frequency of 0.0004% in the gnomAD and novel (not in any individuals) in 1000 genome database. This variant has not been reported to the ClinVar database. The amino acid Thr at position 1610 is changed to a Ser changing protein sequence and it might alter its composition and physico-chemical properties. For these reasons, this variant has been classified as Uncertain Significance (VUS)